The following is an entry in ClinVar:

NM_030650.3(LNPK):c.70-6T>C

Gene: LNPK (lunapark, ER junction formation factor; minus strand). Cytogenetic location: 2q31.1.
Variant type: single nucleotide variant.
Coding change: c.70-6T>C on transcript NM_030650.3 (MANE Select); 6 bases into the intron before coding-DNA position 70, T replaced by C.
Molecular consequence: intron variant.
Genome position (GRCh38, 1-based): chr2:175,992,424, A>G on the plus strand (T>C on the coding strand, the complement: LNPK is on the minus strand). VCF-style: chr2-175992424-A-G. GRCh37 (hg19) VCF-style: chr2-176857152-A-G.
Other names: c.-113+3134T>C (NM_001305011.2); c.221-151T>C (NM_001305010.1); c.70-6T>C (NM_001305009.1); c.268-6T>C (NM_001305008.1).
Identifiers: ClinVar variation 2651555 (VCV002651555.25), dbSNP rs542622551, ClinGen allele CA1976095.

ClinVar aggregate classification (germline): Likely benign. Review status: criteria provided, multiple submitters, no conflicts (2 of 4 stars). 2 submissions from 2 submitters: Likely benign (2). Last evaluated 2024-11-06.

Allele frequency attached by ClinVar (database versions not stated): TOPMed 0.00002; gnomAD 0.00026; gnomAD exomes 0.00044; ExAC 0.00145; 1000 Genomes Project 30x 0.00172; 1000 Genomes Project 0.00200.
gnomAD v4.1: 625 of 1,471,036 alleles (0.042%); highest among the groups gnomAD compares: South Asian, 0.81%; 12 homozygotes.

Submissions (2):

Blueprint Genetics
Classification: Likely benign. Last evaluated: 2024-11-06. Review status: criteria provided, single submitter. Criteria: ACMG Guidelines, 2015. Collection method: clinical testing. Allele origin: germline.

CeGaT Center for Human Genetics Tuebingen
Classification: Likely benign. Last evaluated: 2023-07-01. Review status: criteria provided, single submitter. Criteria: CeGaT Center For Human Genetics Tuebingen Variant Classification Criteria Version 2. Collection method: clinical testing. Allele origin: germline. Affected: yes. Observed: 2 variant alleles.
Comment: LNPK: BP4, BS2